The following is an entry in ClinVar:

ClinVar aggregate classification (germline): Likely benign. Review status: criteria provided, single submitter (1 of 4 stars). 2 submissions from 2 submitters: Likely benign (1). 1 of the submissions does not count toward it. Last evaluated 2023-03-10.

Conditions:
MOCS3-related disorder. Also called: MOCS3-related condition.

Allele frequency attached by ClinVar (database versions not stated): gnomAD 0.00001; TOPMed 0.00002.
gnomAD v4.1: 2 of 1,612,178 alleles (0.00012%); highest among the groups gnomAD compares: African/African-American, 0.0027%; no homozygotes.

Submissions (2):

Labcorp Genetics (formerly Invitae), Labcorp
Classification: Likely benign. Last evaluated: 2023-03-10. Review status: criteria provided, single submitter. Criteria: Invitae Variant Classification Sherloc (09022015). Collection method: clinical testing. Allele origin: germline.

PreventionGenetics, part of Exact Sciences
Classification: Likely benign for MOCS3-related condition. Last evaluated: 2019-04-10. Review status: no assertion criteria provided. Collection method: clinical testing. Allele origin: germline. Not counted in ClinVar's aggregate classification.
Comment: This variant is classified as likely benign based on ACMG/AMP sequence variant interpretation guidelines (Richards et al. 2015 PMID: 25741868, with internal and published modifications).

NM_014484.5(MOCS3):c.528G>C (p.Val176=)

Gene: MOCS3 (molybdenum cofactor synthesis 3; plus strand). Cytogenetic location: 20q13.13.
Variant type: single nucleotide variant.
Coding change: c.528G>C on transcript NM_014484.5 (MANE Select); coding-DNA position 528, G replaced by C.
Protein change: p.Val176=; no amino-acid change (valine 176 retained).
Molecular consequence: synonymous variant.
Genome position (GRCh38, 1-based): chr20:50,959,370, G>C. VCF-style: chr20-50959370-G-C. GRCh37 (hg19) VCF-style: chr20-49575907-G-C.
Other names: c.528G>C (NM_014484.4).
Identifiers: ClinVar variation 1974424 (VCV001974424.7), dbSNP rs1307803029, ClinGen allele CA511022871.